The following is an entry in ClinVar:

ClinVar aggregate classification (germline): Uncertain significance (1 of 4 stars; one submission).

Conditions:
CHARGE syndrome (CHARGE). Also called: Hittner Hirsch Kreh syndrome; CHARGE ASSOCIATION--COLOBOMA, HEART ANOMALY, CHOANAL ATRESIA, RETARDATION, GENITAL AND EAR ANOMALIES; Coloboma, heart anomaly, choanal atresia, retardation, genital and ear anomalies; CHARGE association; Hall-Hittner syndrome. Identifiers: Orphanet 138, MedGen C0265354, MONDO:0008965.

Allele frequency attached by ClinVar (database versions not stated): gnomAD exomes below 0.00001.
gnomAD v4.1: 1 of 1,613,978 alleles (0.000062%); highest among the groups gnomAD compares: Non-Finnish European, 0.000085%; no homozygotes.

Submission:

Labcorp Genetics (formerly Invitae), Labcorp
Classification: Uncertain significance for CHARGE syndrome. Last evaluated: 2025-11-02. Review status: criteria provided, single submitter. Criteria: Invitae Variant Classification Sherloc (09022015). Collection method: clinical testing. Allele origin: germline.
Comment: This sequence change replaces tyrosine, which is neutral and polar, with cysteine, which is neutral and slightly polar, at codon 2114 of the CHD7 protein (p.Tyr2114Cys). This variant is not present in population databases (gnomAD no frequency). This variant has not been reported in the literature in individuals affected with CHD7-related conditions. ClinVar contains an entry for this variant (Variation ID: 1991669). Invitae Evidence Modeling of protein sequence and biophysical properties (such as structural, functional, and spatial information, amino acid conservation, physicochemical variation, residue mobility, and thermodynamic stability) indicates that this missense variant is not expected to disrupt CHD7 protein function with a negative predictive value of 80%. In summary, the available evidence is currently insufficient to determine the role of this variant in disease. Therefore, it has been classified as a Variant of Uncertain Significance.

NM_017780.4(CHD7):c.6341A>G (p.Tyr2114Cys)

Gene: CHD7 (chromodomain helicase DNA binding protein 7; plus strand). Cytogenetic location: 8q12.2.
Variant type: single nucleotide variant.
Coding change: c.6341A>G on transcript NM_017780.4 (MANE Select); coding-DNA position 6341, A replaced by G.
Protein change: p.Tyr2114Cys; replaces tyrosine 2114 with cysteine.
Molecular consequence: missense variant. On other transcripts: intron variant (1).
Genome position (GRCh38, 1-based): chr8:60,853,066, A>G. VCF-style: chr8-60853066-A-G. GRCh37 (hg19) VCF-style: chr8-61765625-A-G.
Other names: c.1717-9163A>G (NM_001316690.1); short protein forms Y2114C.
Identifiers: ClinVar variation 1991669 (VCV001991669.4), dbSNP rs2488042230, ClinGen allele CA371324843.
Genomic context (GRCh38, chr8:60,853,066, plus strand): 5'-GACGGCATGACCGAGACTTGCTGGTTGGTGCTGCTAAACACGGGGTCAGTCGGACGGATT[A>G]TCACATCCTCAATGACCCTGAGTTATCCTTCTTGGATGCACATAAAAACTTTGCTCAAAA-3'
Protein context (NP_060250.2, residues 2104-2124): AAKHGVSRTD[Tyr2114Cys]HILNDPELSF